The following is an entry in ClinVar:

ClinVar aggregate classification (germline): Uncertain significance. Review status: criteria provided, multiple submitters, no conflicts (2 of 4 stars). 2 submissions from 2 submitters: Uncertain significance (2). Last evaluated 2025-11-25.

Allele frequency attached by ClinVar (database versions not stated): gnomAD 0.00001; TOPMed 0.00001.
gnomAD v4.1: 9 of 1,613,298 alleles (0.00056%); highest among the groups gnomAD compares: Admixed American, 0.0017%; no homozygotes.

Submissions (2):

Labcorp Genetics (formerly Invitae), Labcorp
Classification: Uncertain significance. Last evaluated: 2025-11-25. Review status: criteria provided, single submitter. Criteria: Invitae Variant Classification Sherloc (09022015). Collection method: clinical testing. Allele origin: germline.
Comment: This sequence change replaces leucine, which is neutral and non-polar, with proline, which is neutral and non-polar, at codon 1336 of the MYH7B protein (p.Leu1336Pro). This variant is not present in population databases (gnomAD no frequency). This variant has not been reported in the literature in individuals affected with MYH7B-related conditions. ClinVar contains an entry for this variant (Variation ID: 2404088). Invitae Evidence Modeling of protein sequence and biophysical properties (such as structural, functional, and spatial information, amino acid conservation, physicochemical variation, residue mobility, and thermodynamic stability) indicates that this missense variant is not expected to disrupt MYH7B protein function with a negative predictive value of 80%. In summary, the available evidence is currently insufficient to determine the role of this variant in disease. Therefore, it has been classified as a Variant of Uncertain Significance.

Ambry Genetics
Classification: Uncertain significance. Last evaluated: 2022-07-22. Review status: criteria provided, single submitter. Criteria: Ambry Variant Classification Scheme 2023. Collection method: clinical testing. Allele origin: germline.

NM_020884.7(MYH7B):c.3881T>C (p.Leu1294Pro)

Gene: MYH7B (myosin heavy chain 7B; plus strand). Cytogenetic location: 20q11.22.
Variant type: single nucleotide variant.
Coding change: c.3881T>C on transcript NM_020884.7 (MANE Select); coding-DNA position 3881, T replaced by C.
Protein change: p.Leu1294Pro; replaces leucine 1294 with proline.
Molecular consequence: missense variant.
Genome position (GRCh38, 1-based): chr20:34,998,517, T>C. VCF-style: chr20-34998517-T-C. GRCh37 (hg19) VCF-style: chr20-33586320-T-C.
Other names: short protein forms L1294P.
Identifiers: ClinVar variation 2404088 (VCV002404088.3), dbSNP rs1384319059, ClinGen allele CA408712728.